The following is an entry in ClinVar:

ClinVar aggregate classification (germline): Uncertain significance (1 of 4 stars; one submission).

Conditions:
Spastic paraplegia. Identifiers: MedGen C0037772, HP:0001258.

Allele frequency attached by ClinVar (database versions not stated): ExAC 0.00001; gnomAD exomes 0.00002; gnomAD 0.00003 and 0.00004; TOPMed 0.00005.
gnomAD v4.1: 17 of 1,614,136 alleles (0.0011%); highest among the groups gnomAD compares: African/African-American, 0.008%; no homozygotes.

Submission:

Labcorp Genetics (formerly Invitae), Labcorp
Classification: Uncertain significance for Spastic paraplegia. Last evaluated: 2021-08-24. Review status: criteria provided, single submitter. Criteria: Invitae Variant Classification Sherloc (09022015). Collection method: clinical testing. Allele origin: germline.
Comment: This sequence change replaces glutamic acid with lysine at codon 2348 of the ZFYVE26 protein (p.Glu2348Lys). The glutamic acid residue is highly conserved and there is a small physicochemical difference between glutamic acid and lysine. This variant is present in population databases (rs762690743, ExAC 0.01%). This variant has not been reported in the literature in individuals affected with ZFYVE26-related conditions. Algorithms developed to predict the effect of missense changes on protein structure and function are either unavailable or do not agree on the potential impact of this missense change (SIFT: "Deleterious"; PolyPhen-2: "Probably Damaging"; Align-GVGD: "Class C0"). In summary, the available evidence is currently insufficient to determine the role of this variant in disease. Therefore, it has been classified as a Variant of Uncertain Significance.

NM_015346.4(ZFYVE26):c.7042G>A (p.Glu2348Lys)

Gene: ZFYVE26 (zinc finger FYVE-type containing 26; minus strand). Cytogenetic location: 14q24.1.
Variant type: single nucleotide variant.
Coding change: c.7042G>A on transcript NM_015346.4 (MANE Select); coding-DNA position 7042, G replaced by A.
Protein change: p.Glu2348Lys; replaces glutamic acid 2348 with lysine.
Molecular consequence: missense variant.
Genome position (GRCh38, 1-based): chr14:67,754,157, C>T on the plus strand (G>A on the coding strand, the complement: ZFYVE26 is on the minus strand). VCF-style: chr14-67754157-C-T. GRCh37 (hg19) VCF-style: chr14-68220874-C-T.
Other names: short protein forms E2348K.
Identifiers: ClinVar variation 1523146 (VCV001523146.5), dbSNP rs762690743, ClinGen allele CA7239077.